The following is an entry in ClinVar:

NM_000245.4(MET):c.3338A>T (p.Asn1113Ile)

Gene: MET (MET proto-oncogene, receptor tyrosine kinase; plus strand). Cytogenetic location: 7q31.2.
Variant type: single nucleotide variant.
Coding change: c.3338A>T on transcript NM_000245.4 (MANE Select); coding-DNA position 3338, A replaced by T.
Protein change: p.Asn1113Ile; replaces asparagine 1113 with isoleucine.
Molecular consequence: missense variant.
Genome position (GRCh38, 1-based): chr7:116,777,467, A>T. VCF-style: chr7-116777467-A-T. GRCh37 (hg19) VCF-style: chr7-116417521-A-T.
Other names: c.3392A>T, p.Asn1131Ile (NM_001127500.3); c.2048A>T, p.Asn683Ile (NM_001324402.2); short protein forms N1113I, N683I, N1131I.
Identifiers: ClinVar variation 1360267 (VCV001360267.8), dbSNP rs2117040446, ClinGen allele CA368989890.
Genomic context (GRCh38, chr7:116,777,467, plus strand): 5'-ATCATGGGACTTTGTTGGACAATGATGGCAAGAAAATTCACTGTGCTGTGAAATCCTTGA[A>T]CAGTAAGTGGCATTTTATTTAACCATGGAGTATACTTTTGTGGTTTGCAACCTAATAAAT-3'
Protein context (NP_000236.2, residues 1103-1123): KKIHCAVKSL[Asn1113Ile]RITDIGEVSQ

ClinVar aggregate classification (germline): Uncertain significance (1 of 4 stars; one submission).

Conditions:
Renal cell carcinoma. Identifiers: Orphanet 217071, MedGen C0007134, MeSH D002292, MONDO:0005086, HP:0005584.

Submission:

Labcorp Genetics (formerly Invitae), Labcorp
Classification: Uncertain significance for Renal cell carcinoma. Last evaluated: 2026-01-20. Review status: criteria provided, single submitter. Criteria: Invitae Variant Classification Sherloc (09022015). Collection method: clinical testing. Allele origin: germline.
Comment: This sequence change replaces asparagine, which is neutral and polar, with isoleucine, which is neutral and non-polar, at codon 1131 of the MET protein (p.Asn1131Ile). This variant is not present in population databases (gnomAD no frequency). This variant has not been reported in the literature in individuals affected with MET-related conditions. ClinVar contains an entry for this variant (Variation ID: 1360267). An algorithm developed to predict the effect of missense changes on protein structure and function (PolyPhen-2) suggests that this variant is likely to be disruptive. In summary, the available evidence is currently insufficient to determine the role of this variant in disease. Therefore, it has been classified as a Variant of Uncertain Significance.